The following is an entry in ClinVar:

ClinVar aggregate classification (germline): Uncertain significance. Review status: criteria provided, multiple submitters, no conflicts (2 of 4 stars). 2 submissions from 2 submitters: Uncertain significance (2). Last evaluated 2019-10-15.

Conditions:
Hereditary cancer-predisposing syndrome. Also called: Neoplastic Syndromes, Hereditary; Tumor predisposition; Hereditary neoplastic syndrome; Hereditary Cancer Syndrome. Identifiers: Orphanet 140162, MedGen C0027672, MeSH D009386, MONDO:0015356.

Allele frequency attached by ClinVar (database versions not stated): gnomAD exomes below 0.00001; ExAC 0.00001.

Submissions (2):

Ambry Genetics
Classification: Uncertain significance for Hereditary cancer-predisposing syndrome. Last evaluated: 2019-10-15. Review status: criteria provided, single submitter. Criteria: Ambry Variant Classification Scheme 2023. Collection method: clinical testing. Allele origin: germline.
Comment: The p.D153N variant (also known as c.457G>A), located in coding exon 4 of the BRIP1 gene, results from a G to A substitution at nucleotide position 457. The aspartic acid at codon 153 is replaced by asparagine, an amino acid with highly similar properties. This amino acid position is highly conserved in available vertebrate species. In addition, this alteration is predicted to be tolerated by in silico analysis. Since supporting evidence is limited at this time, the clinical significance of this alteration remains unclear.

Color Diagnostics, LLC DBA Color Health
Classification: Uncertain significance for Hereditary cancer-predisposing syndrome. Last evaluated: 2019-08-05. Review status: criteria provided, single submitter. Criteria: ACMG Guidelines, 2015. Collection method: clinical testing. Allele origin: germline.
Comment: This missense variant replaces aspartic acid with asparagine at codon 153 of the BRIP1 protein. Computational prediction tools and conservation analyses suggest that this variant may have deleterious impact on the protein function. Computational splicing tools suggest that this variant may not impact RNA splicing. To our knowledge, functional assays have not been performed for this variant nor has this variant been reported in individuals affected with hereditary cancer in the literature. This variant has been identified in 1/251316 chromosomes in the general population by the Genome Aggregation Database (gnomAD). Available evidence is insufficient to determine the role of this variant in disease conclusively. Therefore, this variant is classified as a Variant of Uncertain Significance.

Literature cited by the submitters: PubMed 29470806 (cited by Ambry Genetics).

NM_032043.3(BRIP1):c.457G>A (p.Asp153Asn)

Gene: BRIP1 (BRCA1 interacting DNA helicase 1; minus strand). Cytogenetic location: 17q23.2.
Variant type: single nucleotide variant.
Coding change: c.457G>A on transcript NM_032043.3 (MANE Select); coding-DNA position 457, G replaced by A.
Protein change: p.Asp153Asn; replaces aspartic acid 153 with asparagine.
Molecular consequence: missense variant.
Genome position (GRCh38, 1-based): chr17:61,849,179, C>T on the plus strand (G>A on the coding strand, the complement: BRIP1 is on the minus strand). VCF-style: chr17-61849179-C-T. GRCh37 (hg19) VCF-style: chr17-59926540-C-T.
Other names: short protein forms D153N.
Identifiers: ClinVar variation 825017 (VCV000825017.7), dbSNP rs772695469, ClinGen allele CA8690930.
Genomic context (GRCh38, chr17:61,849,179, plus strand): 5'-CTCTGTTTACCTGCTGTGTAGTTTCTAAGGGTCGAATTCTTTTCTTCTCTACTTGAAAAT[C>T]ATCATTTTCATCTCTGTATATGGATGCCTGTTTCTTAGCAGATAACTTTGCAGCCAGAGT-3'
Protein context (NP_114432.2, residues 143-163): QASIYRDEND[Asp153Asn]FQVEKKRIRP